The following is an entry in ClinVar:

NM_000069.3(CACNA1S):c.3992C>T (p.Ala1331Val)

Gene: CACNA1S (calcium voltage-gated channel subunit alpha1 S; minus strand). Cytogenetic location: 1q32.1.
Variant type: single nucleotide variant.
Coding change: c.3992C>T on transcript NM_000069.3 (MANE Select); coding-DNA position 3992, C replaced by T.
Protein change: p.Ala1331Val; replaces alanine 1331 with valine.
Molecular consequence: missense variant.
Genome position (GRCh38, 1-based): chr1:201,051,105, G>A on the plus strand (C>T on the coding strand, the complement: CACNA1S is on the minus strand). VCF-style: chr1-201051105-G-A. GRCh37 (hg19) VCF-style: chr1-201020233-G-A.
Other names: short protein forms A1331V.
Identifiers: ClinVar variation 959544 (VCV000959544.7), dbSNP rs1207041561, ClinGen allele CA344150694.

ClinVar aggregate classification (germline): Uncertain significance. Review status: criteria provided, multiple submitters, no conflicts (2 of 4 stars). 3 submissions from 3 submitters: Uncertain significance (3). Last evaluated 2025-09-22.

Conditions:
Malignant hyperthermia, susceptibility to, 5 (MHS5). Also called: CACNA1S-Related Malignant Hyperthermia Susceptibility. Identifiers: Orphanet 423, MedGen C1866077, MONDO:0011163, OMIM 601887.
Hypokalemic periodic paralysis, type 1. Also called: HypoPP; Hypokalemic Periodic Paralysis Type 1 (AD). Identifiers: Orphanet 681, MedGen C3714580, MONDO:0042979, OMIM 170400.

Allele frequency attached by ClinVar (database versions not stated): gnomAD exomes below 0.00001 and 0.00001; TOPMed below 0.00001; gnomAD 0.00001.
gnomAD v4.1: 15 of 1,614,110 alleles (0.00093%); highest among the groups gnomAD compares: East Asian, 0.0022%; no homozygotes.

Submissions (3):

Color Diagnostics, LLC DBA Color Health
Classification: Uncertain significance for Malignant hyperthermia, susceptibility to, 5. Last evaluated: 2025-09-22. Review status: criteria provided, single submitter. Criteria: ACMG Guidelines, 2015. Collection method: clinical testing. Allele origin: germline.
Comment: This missense variant replaces alanine with valine at codon 1331 of the CACNA1S protein. Computational prediction suggests that this variant may have deleterious impact on protein structure and function. To our knowledge, functional studies have not been reported for this variant. This variant has not been reported in individuals affected with CACNA1S-related disorders in the literature. This variant has been identified in 2/282890 chromosomes in the general population by the Genome Aggregation Database (gnomAD). The available evidence is insufficient to determine the role of this variant in disease conclusively. Therefore, this variant is classified as a Variant of Uncertain Significance.

GeneDx
Classification: Uncertain significance. Last evaluated: 2025-04-28. Review status: criteria provided, single submitter. Criteria: GeneDx Variant Classification Process June 2021. Collection method: clinical testing. Allele origin: germline. Affected: yes.
Comment: Not observed at significant frequency in large population cohorts (gnomAD); In silico analysis supports that this missense variant has a deleterious effect on protein structure/function; Has not been previously published as pathogenic or benign to our knowledge

Labcorp Genetics (formerly Invitae), Labcorp
Classification: Uncertain significance for Hypokalemic periodic paralysis, type 1; Malignant hyperthermia, susceptibility to, 5. Last evaluated: 2021-08-26. Review status: criteria provided, single submitter. Criteria: Invitae Variant Classification Sherloc (09022015). Collection method: clinical testing. Allele origin: germline.